The following is an entry in ClinVar:

ClinVar aggregate classification (germline): Uncertain significance (1 of 4 stars; one submission).

Conditions:
Hereditary cancer-predisposing syndrome. Also called: Neoplastic Syndromes, Hereditary; Tumor predisposition; Hereditary Cancer Syndrome; Hereditary neoplastic syndrome. Identifiers: Orphanet 140162, MedGen C0027672, MeSH D009386, MONDO:0015356.

Submission:

Ambry Genetics
Classification: Uncertain significance for Hereditary cancer-predisposing syndrome. Last evaluated: 2026-04-28. Review status: criteria provided, single submitter. Criteria: Ambry Variant Classification Scheme 2023. Collection method: clinical testing. Allele origin: germline.
Comment: The p.M711R variant (also known as c.2132T>G), located in coding exon 12 of the PMS2 gene, results from a T to G substitution at nucleotide position 2132. The methionine at codon 711 is replaced by arginine, an amino acid with similar properties. This amino acid position is conserved. In addition, the in silico prediction for this alteration is inconclusive. Based on the available evidence, the clinical significance of this variant remains unclear.

NM_000535.7(PMS2):c.2132T>G (p.Met711Arg)

Gene: PMS2 (PMS1 homolog 2, mismatch repair system component; minus strand). Cytogenetic location: 7p22.1.
Variant type: single nucleotide variant.
Coding change: c.2132T>G on transcript NM_000535.7 (MANE Select); coding-DNA position 2132, T replaced by G.
Protein change: p.Met711Arg; replaces methionine 711 with arginine.
Molecular consequence: missense variant. On other transcripts: intron variant (4), non-coding transcript variant (1).
Genome position (GRCh38, 1-based): chr7:5,982,866, A>C on the plus strand (T>G on the coding strand, the complement: PMS2 is on the minus strand). VCF-style: chr7-5982866-A-C. GRCh37 (hg19) VCF-style: chr7-6022497-A-C.
Other names: c.1601+3893T>G (NM_001406910.1, NM_001406908.1); c.1688+3893T>G (NM_001406903.1); c.2006+3893T>G (NM_001406872.1); c.1823T>G, p.Met608Arg (NM_001406875.1, NM_001406877.1, NM_001406878.1 and 5 more transcripts); c.1814T>G, p.Met605Arg (NM_001406876.1, NM_001406883.1, NM_001322007.2 and 1 more transcripts); c.1571T>G, p.Met524Arg (NM_001406906.1, NM_001406907.1, NM_001322010.2); c.1559T>G, p.Met520Arg (NM_001406909.1, NM_001322013.2); c.1361T>G, p.Met454Arg (NM_001406911.1); and 16 more; short protein forms M310R, M400R, M454R, M520R, M524R, M540R, M553R, M556R.
Identifiers: ClinVar variation 4862116 (VCV004862116.1).